The following is an entry in ClinVar:

ClinVar aggregate classification (germline): Likely pathogenic (1 of 4 stars; one submission).

Submission:

Dasa
Classification: Likely pathogenic. Last evaluated: 2025-08-27. Review status: criteria provided, single submitter. Criteria: DASA Assertion Criteria. Collection method: clinical testing. Allele origin: germline.
Comment: NM_001003694.2(BRPF1):c.2303del (p.Thr768Metfs*25) is a frameshift variant in BRPF1 predicted to alter the reading frame and introduce a premature termination codon and is predicted to result in an absent or altered protein product. Loss of function is an established disease mechanism for BRPF1 (PMID: 27939640; PMID: 27939639; PMID: 31020800). Also, this variant is absent from population databases. Based on the currently available evidence, this variant is classified as likely pathogenic.

Literature cited by the submitters: PubMed 27939640; PubMed 27939639; PubMed 31020800.

NM_001003694.2(BRPF1):c.2303del (p.Thr768fs)

Gene: BRPF1 (bromodomain and PHD finger containing 1; plus strand). Cytogenetic location: 3p25.3.
Variant type: Deletion.
Coding change: c.2303del on transcript NM_001003694.2 (MANE Select); coding-DNA position 2303, one base deleted (C; older notation c.2303delC).
Protein change: p.Thr768fs; shifts the reading frame from threonine 768.
Molecular consequence: frameshift variant. On other transcripts: non-coding transcript variant (1).
Genome position (GRCh38, 1-based): chr3:9,743,245, C deleted. VCF-style (leftmost placement, unchanged base first): chr3-9743244-AC-A. GRCh37 (hg19) VCF-style: chr3-9784928-AC-A.
Other names: c.2285del, p.Thr762fs (NM_001319049.2, NM_001319050.2, NM_001437892.1 and 4 more transcripts); c.2303del, p.Thr768fs (NM_001410704.1, NM_001438344.1, NM_001438345.1); short protein forms T762fs, T768fs.
Identifiers: ClinVar variation 4886466 (VCV004886466.2).